The following is an entry in ClinVar:

ClinVar aggregate classification (germline): Pathogenic. Review status: criteria provided, multiple submitters, no conflicts (2 of 4 stars). 2 submissions from 2 submitters: Pathogenic (2). Last evaluated 2024-07-22.

Conditions:
Hereditary angioedema type 1 (HAE1). Identifiers: Orphanet 100050, Orphanet 100051, Orphanet 91378, MedGen C2717906, MONDO:0015053, OMIM 106100.

Submissions (2):

DNA-diagnostics Laboratory, Research Centre For Medical Genetics
Classification: Pathogenic for Hereditary angioedema type 1. Last evaluated: 2024-07-22. Review status: criteria provided, single submitter. Criteria: ACMG Guidelines, 2015. Collection method: research. Allele origin: germline. Inheritance: Autosomal dominant inheritance. Affected: yes. Observed: 1 heterozygote.
Comment: According to published information (Bafunno et al., 2014) the c.1309C>T variant in SERPING1 meets ACMG/ClinGen SVI guidance criteria to be classified as pathogenic: PVS1_Str, PP4_Str, PM2_Sup, PP1

CeGaT Center for Human Genetics Tuebingen
Classification: Pathogenic. Last evaluated: 2022-04-01. Review status: criteria provided, single submitter. Criteria: CeGaT Center For Human Genetics Tuebingen Variant Classification Criteria Version 2. Collection method: clinical testing. Allele origin: germline. Affected: yes. Observed: 1 variant allele.
Comment: SERPING1: PVS1, PM2

Literature cited by the submitters: PubMed 24456027 (cited by DNA-diagnostics Laboratory, Research Centre For Medical Genetics).

NM_000062.3(SERPING1):c.1309C>T (p.Gln437Ter)

Gene: SERPING1 (serpin family G member 1; plus strand). Cytogenetic location: 11q12.1.
Variant type: single nucleotide variant.
Coding change: c.1309C>T on transcript NM_000062.3 (MANE Select); coding-DNA position 1309, C replaced by T.
Protein change: p.Gln437Ter; replaces glutamine 437 with a stop codon.
Molecular consequence: nonsense.
Genome position (GRCh38, 1-based): chr11:57,614,387, C>T. VCF-style: chr11-57614387-C-T. GRCh37 (hg19) VCF-style: chr11-57381860-C-T.
Other names: c.1309C>T, p.Gln437Ter (NM_001032295.2); short protein forms Q437*.
Identifiers: ClinVar variation 1694638 (VCV001694638.33), dbSNP rs2135327898, ClinGen allele CA380690424.
Genomic context (GRCh38, chr11:57,614,387, plus strand): 5'-GAATTCTTCGATTTTTCTTATGACCTTAACCTGTGTGGGCTGACAGAGGACCCAGATCTT[C>T]AGGTTTCTGCGATGCAGCACCAGACAGTGCTGGAACTGACAGAGACTGGGGTGGAGGCGG-3'